The following is an entry in ClinVar:

NM_000180.4(GUCY2D):c.3139-3C>G

Gene: GUCY2D (guanylate cyclase 2D, retinal; plus strand). Cytogenetic location: 17p13.1.
Variant type: single nucleotide variant.
Coding change: c.3139-3C>G on transcript NM_000180.4 (MANE Select); 3 bases into the intron before coding-DNA position 3139, C replaced by G.
Molecular consequence: intron variant.
Genome position (GRCh38, 1-based): chr17:8,016,202, C>G. VCF-style: chr17-8016202-C-G. GRCh37 (hg19) VCF-style: chr17-7919520-C-G.
Other names: c.3139-3C>G (NM_000180.3).
Identifiers: ClinVar variation 1002992 (VCV001002992.5), dbSNP rs771769796, ClinGen allele CA8366333.
Genomic context (GRCh38, chr17:8,016,202, plus strand): 5'-CTCGAGATCCCCCACCCCTCACCCCAGTCCGCCTAAGTCCTTCCCTCTCCCATGTCTCCC[C>G]AGGGCAAGGGCGCCGAGGACACTTTCTGGCTAGTGGGCAGACGCGGCTTCAACAAGCCCA-3'

ClinVar aggregate classification (germline): Uncertain significance. Review status: criteria provided, single submitter (1 of 4 stars). 2 submissions from 2 submitters: Uncertain significance (1). 1 of the submissions does not count toward it. Last evaluated 2022-03-10.

Conditions:
Cone-rod dystrophy 6 (CORD6). Also called: Cone dystrophy progressive; RETINAL CONE DYSTROPHY 2. Identifiers: Orphanet 1872, MedGen C1866293, MONDO:0011143, OMIM 601777.
Leber congenital amaurosis 1 (LCA1). Also called: Congenital absence of the rods and cones; Leber's congenital tapetoretinal degeneration; Leber's congenital tapetoretinal dysplasia; RETINAL BLINDNESS, CONGENITAL; AMAUROSIS CONGENITA OF LEBER I. Identifiers: Orphanet 65, MedGen C2931258, MONDO:0008764, OMIM 204000.
GUCY2D-related disorder. Also called: GUCY2D-related condition.

Allele frequency attached by ClinVar (database versions not stated): ExAC below 0.00001; gnomAD exomes below 0.00001.
gnomAD v4.1: 3 of 1,580,522 alleles (0.00019%); highest among the groups gnomAD compares: Admixed American, 0.0055%; no homozygotes.

Submissions (2):

Labcorp Genetics (formerly Invitae), Labcorp
Classification: Uncertain significance for Leber congenital amaurosis 1; Cone-rod dystrophy 6. Last evaluated: 2022-03-10. Review status: criteria provided, single submitter. Criteria: Invitae Variant Classification Sherloc (09022015). Collection method: clinical testing. Allele origin: germline.
Comment: This sequence change falls in intron 17 of the GUCY2D gene. It does not directly change the encoded amino acid sequence of the GUCY2D protein. It affects a nucleotide within the consensus splice site. This variant is not present in population databases (gnomAD no frequency). This variant has not been reported in the literature in individuals affected with GUCY2D-related conditions. ClinVar contains an entry for this variant (Variation ID: 1002992). Variants that disrupt the consensus splice site are a relatively common cause of aberrant splicing (PMID: 17576681, 9536098). Algorithms developed to predict the effect of sequence changes on RNA splicing suggest that this variant may disrupt the consensus splice site. In summary, the available evidence is currently insufficient to determine the role of this variant in disease. Therefore, it has been classified as a Variant of Uncertain Significance.

PreventionGenetics, part of Exact Sciences
Classification: Uncertain significance for GUCY2D-related condition. Last evaluated: 2023-12-06. Review status: no assertion criteria provided. Collection method: clinical testing. Allele origin: germline. Not counted in ClinVar's aggregate classification.
Comment: The GUCY2D c.3139-3C>G variant is predicted to interfere with splicing. To our knowledge, this variant has not been reported in the literature or in a large population database, indicating this variant is rare. At this time, the clinical significance of this variant is uncertain due to the absence of conclusive functional and genetic evidence.

Literature cited by the submitters: PubMed 17576681 (cited by Labcorp Genetics (formerly Invitae), Labcorp); PubMed 9536098 (cited by Labcorp Genetics (formerly Invitae), Labcorp).